The following is an entry in ClinVar:

ClinVar aggregate classification (germline): Uncertain significance. Review status: criteria provided, multiple submitters, no conflicts (2 of 4 stars). 2 submissions from 2 submitters: Uncertain significance (2). Last evaluated 2025-07-09.

Conditions:
X-linked intellectual disability, van Esch type. Also called: Van Esch-O'Driscoll syndrome; MENTAL RETARDATION, X-LINKED, SYNDROMIC, VAN ESCH-O''DRISCOLL TYPE. Identifiers: Orphanet 163976, MedGen C4305072, MONDO:0015601, OMIM 301030.

Allele frequency attached by ClinVar (database versions not stated): ExAC 0.00002; gnomAD exomes 0.00002.
gnomAD v4.1: 18 of 1,174,891 alleles (0.0015%); highest among the groups gnomAD compares: Non-Finnish European, 0.0021%; no homozygotes.

Submissions (2):

Labcorp Genetics (formerly Invitae), Labcorp
Classification: Uncertain significance. Last evaluated: 2025-07-09. Review status: criteria provided, single submitter. Criteria: Invitae Variant Classification Sherloc (09022015). Collection method: clinical testing. Allele origin: germline.
Comment: This sequence change falls in intron 17 of the POLA1 gene. It does not directly change the encoded amino acid sequence of the POLA1 protein. It affects a nucleotide within the consensus splice site. This variant is present in population databases (rs757070068, gnomAD 0.008%). This variant has not been reported in the literature in individuals affected with POLA1-related conditions. ClinVar contains an entry for this variant (Variation ID: 1384071). Variants that disrupt the consensus splice site are a relatively common cause of aberrant splicing (PMID: 17576681, 9536098). Algorithms developed to predict the effect of sequence changes on RNA splicing suggest that this variant may disrupt the consensus splice site. In summary, the available evidence is currently insufficient to determine the role of this variant in disease. Therefore, it has been classified as a Variant of Uncertain Significance.

MGZ Medical Genetics Center
Classification: Uncertain significance for X-linked intellectual disability, van Esch type. Last evaluated: 2022-05-24. Review status: criteria provided, single submitter. Criteria: ACMG Guidelines, 2015. Collection method: clinical testing. Allele origin: germline. Affected: yes. Observed: 1 variant allele.
Comment: ACMG criteria applied: PM2_SUP

Literature cited by the submitters: PubMed 17576681 (cited by Labcorp Genetics (formerly Invitae), Labcorp); PubMed 9536098 (cited by Labcorp Genetics (formerly Invitae), Labcorp).

NM_001330360.2(POLA1):c.1834-3C>T

Gene: POLA1 (DNA polymerase alpha 1, catalytic subunit; plus strand). Cytogenetic location: Xp22.11.
Variant type: single nucleotide variant.
Coding change: c.1834-3C>T on transcript NM_001330360.2 (MANE Select); 3 bases into the intron before coding-DNA position 1834, C replaced by T.
Molecular consequence: intron variant.
Genome position (GRCh38, 1-based): chrX:24,735,396, C>T. VCF-style: chrX-24735396-C-T. GRCh37 (hg19) VCF-style: chrX-24753513-C-T.
Other names: c.1759-3C>T (NM_001378303.1); c.1816-3C>T (NM_016937.4).
Identifiers: ClinVar variation 1384071 (VCV001384071.8), dbSNP rs757070068, ClinGen allele CA10373068.
Genomic context (GRCh38, chrX:24,735,396, plus strand): 5'-CCAAGATACAGTACTTGCGGACAGTAAAGAGTCGTCAGTGACTGGTGTGTTTTTATCTAA[C>T]AGAATGTGAAGGTTGAGGTTGCTGCAACAGAAAGAACACTGCTAGGTTTTTTCCTTGCAA-3'